The following is an entry in ClinVar:

NM_000059.4(BRCA2):c.6482A>G (p.Asp2161Gly)

Gene: BRCA2 (BRCA2 DNA repair associated; plus strand). Cytogenetic location: 13q13.1.
Variant type: single nucleotide variant.
Coding change: c.6482A>G on transcript NM_000059.4 (MANE Select); coding-DNA position 6482, A replaced by G.
Protein change: p.Asp2161Gly; replaces aspartic acid 2161 with glycine.
Molecular consequence: missense variant.
Genome position (GRCh38, 1-based): chr13:32,340,837, A>G. VCF-style: chr13-32340837-A-G. GRCh37 (hg19) VCF-style: chr13-32914974-A-G.
Other names: short protein forms D2161G.
Identifiers: ClinVar variation 184861 (VCV000184861.22), dbSNP rs786201744, ClinGen allele CA024097.
Genomic context (GRCh38, chr13:32,340,837, plus strand): 5'-GTTCTTCAGAAAATAATCACTCTATTAAAGTTTCTCCATATCTCTCTCAATTTCAACAAG[A>G]CAAACAACAGTTGGTATTAGGAACCAAAGTGTCACTTGTTGAGAACATTCATGTTTTGGG-3'
Protein context (NP_000050.3, residues 2151-2171): VSPYLSQFQQ[Asp2161Gly]KQQLVLGTKV

ClinVar aggregate classification (germline): Conflicting classifications of pathogenicity. Review status: criteria provided, conflicting classifications (1 of 4 stars). 5 submissions from 5 submitters: Uncertain significance (3); Likely benign (2). Last evaluated 2024-02-03.

Conditions:
Hereditary cancer-predisposing syndrome. Also called: Hereditary neoplastic syndrome; Neoplastic Syndromes, Hereditary; Tumor predisposition; Hereditary Cancer Syndrome. Identifiers: Orphanet 140162, MedGen C0027672, MeSH D009386, MONDO:0015356.
Hereditary breast ovarian cancer syndrome. Also called: Hereditary breast and ovarian cancer syndrome (HBOC); Breast and ovarian cancer; Hereditary breast and/or ovarian cancer syndrome; BRCA1- and BRCA2-Associated Hereditary Breast and Ovarian Cancer; Hereditary breast and ovarian cancer syndrome; Hereditary breast and ovarian cancer. Identifiers: Orphanet 145, MedGen C0677776, MeSH D061325, MONDO:0003582. Disease mechanism: loss of function.

Allele frequency attached by ClinVar (database versions not stated): gnomAD exomes below 0.00001.
gnomAD v4.1: 1 of 1,593,106 alleles (0.000063%); highest among the groups gnomAD compares: African/African-American, 0.0014%; no homozygotes.

Submissions (5):

Labcorp Genetics (formerly Invitae), Labcorp
Classification: Uncertain significance for Hereditary breast ovarian cancer syndrome. Last evaluated: 2024-02-03. Review status: criteria provided, single submitter. Criteria: Invitae Variant Classification Sherloc (09022015). Collection method: clinical testing. Allele origin: germline.
Comment: This sequence change replaces aspartic acid, which is acidic and polar, with glycine, which is neutral and non-polar, at codon 2161 of the BRCA2 protein (p.Asp2161Gly). This variant is not present in population databases (gnomAD no frequency). This variant has not been reported in the literature in individuals affected with BRCA2-related conditions. ClinVar contains an entry for this variant (Variation ID: 184861). Advanced modeling of protein sequence and biophysical properties (such as structural, functional, and spatial information, amino acid conservation, physicochemical variation, residue mobility, and thermodynamic stability) performed at Invitae indicates that this missense variant is not expected to disrupt BRCA2 protein function with a negative predictive value of 95%. In summary, the available evidence is currently insufficient to determine the role of this variant in disease. Therefore, it has been classified as a Variant of Uncertain Significance.

University of Washington Department of Laboratory Medicine, University of Washington
Classification: Likely benign for Hereditary cancer-predisposing syndrome. Last evaluated: 2023-03-23. Review status: criteria provided, single submitter. Criteria: Dines et al. (Genet Med. 2020). Collection method: curation. Allele origin: germline.
Comment: Missense variant in a coldspot region where missense variants are very unlikely to be pathogenic (PMID:31911673).

BRCA2 exon 11 coldspot. Reclassification based on statistical prior probability.

GeneDx
Classification: Uncertain significance. Last evaluated: 2020-02-25. Review status: criteria provided, single submitter. Criteria: GeneDx Variant Classification Process June 2021. Collection method: clinical testing. Allele origin: germline. Affected: yes.
Comment: Has not been previously published as pathogenic or benign to our knowledge; Not observed in large population cohorts (Lek 2016); In silico analysis supports that this missense variant does not alter protein structure/function; Also known as 6710A>G

Color Diagnostics, LLC DBA Color Health
Classification: Uncertain significance for Hereditary cancer-predisposing syndrome. Last evaluated: 2019-05-30. Review status: criteria provided, single submitter. Criteria: ACMG Guidelines, 2015. Collection method: clinical testing. Allele origin: germline.

Ambry Genetics
Classification: Likely benign for Hereditary cancer-predisposing syndrome. Last evaluated: 2014-05-23. Review status: criteria provided, single submitter. Criteria: Ambry Variant Classification Scheme 2023. Collection method: clinical testing. Allele origin: germline.